The following is an entry in ClinVar:

ClinVar aggregate classification (germline): Uncertain significance (1 of 4 stars; one submission).

Conditions:
TBX1-related disorder. Also called: TBX1-related condition; TBX1-Related Disorders.

Submission:

PreventionGenetics, part of Exact Sciences
Classification: Uncertain significance for TBX1-related condition. Last evaluated: 2026-08-27. Review status: criteria provided, single submitter. Criteria: ACMG Guidelines, 2015. Collection method: clinical testing. Allele origin: germline.
Comment: The TBX1 c.1027T>C variant is predicted to result in the amino acid substitution p.Ser343Pro. To our knowledge, this variant has not been reported in the literature or in a large population database (gnomAD), indicating this variant is rare. At this time, the clinical significance of this variant is uncertain due to the absence of conclusive functional and genetic evidence.

NM_005992.1(TBX1):c.1027T>C (p.Ser343Pro)

Gene: TBX1 (T-box transcription factor 1; plus strand). Cytogenetic location: 22q11.21.
Variant type: single nucleotide variant.
Coding change: c.1027T>C on transcript NM_005992.1; coding-DNA position 1027, T replaced by C.
Protein change: p.Ser343Pro; replaces serine 343 with proline.
Molecular consequence: missense variant.
Genome position (GRCh38, 1-based): chr22:19,782,930, T>C. VCF-style: chr22-19782930-T-C. GRCh37 (hg19) VCF-style: chr22-19770453-T-C.
Other names: short protein forms S343P.
Identifiers: ClinVar variation 4992017 (VCV004992017.1).